The following is an entry in ClinVar:

NM_004722.4(AP4M1):c.555T>C (p.Asn185=)

Gene: AP4M1 (adaptor related protein complex 4 subunit mu 1; plus strand). Cytogenetic location: 7q22.1.
Variant type: single nucleotide variant.
Coding change: c.555T>C on transcript NM_004722.4 (MANE Select); coding-DNA position 555, T replaced by C.
Protein change: p.Asn185=; no amino-acid change (asparagine 185 retained).
Molecular consequence: synonymous variant.
Genome position (GRCh38, 1-based): chr7:100,104,103, T>C. VCF-style: chr7-100104103-T-C. GRCh37 (hg19) VCF-style: chr7-99701726-T-C.
Other names: c.576T>C, p.Asn192= (NM_001363671.2).
Identifiers: ClinVar variation 3053661 (VCV003053661.2), dbSNP rs1419965524, ClinGen allele CA456709583.
Genomic context (GRCh38, chr7:100,104,103, plus strand): 5'-AACATAGGCTATTCTGCTTCCAACCACCCAAATTCTCTCTCTTTCTCAGAGCCAAAAGAA[T>C]GAAGTTTTTTTGGATGTGGTCGAGAGATTGTCTGTACTGATAGCATCTAATGTAAGTTTG-3'
Protein context (NP_004713.2, residues 175-195): LSSRSDQSQK[Asn185=]EVFLDVVERL

ClinVar aggregate classification (germline): Likely benign (0 of 4 stars; one submission).

Conditions:
AP4M1-related disorder. Also called: AP4M1-related condition.

gnomAD v4.1: 1 of 1,614,070 alleles (0.000062%); highest among the groups gnomAD compares: Non-Finnish European, 0.000085%; no homozygotes.

Submission:

PreventionGenetics, part of Exact Sciences
Classification: Likely benign for AP4M1-related condition. Last evaluated: 2019-09-19. Review status: no assertion criteria provided. Collection method: clinical testing. Allele origin: germline.
Comment: This variant is classified as likely benign based on ACMG/AMP sequence variant interpretation guidelines (Richards et al. 2015 PMID: 25741868, with internal and published modifications).